The following is an entry in ClinVar:

ClinVar aggregate classification (germline): Uncertain significance (1 of 4 stars; one submission).

Conditions:
Myopathy, proximal, and ophthalmoplegia (CMYO6). Also called: MYOPATHY WITH CONGENITAL JOINT CONTRACTURES, OPHTHALMOPLEGIA, AND RIMMED VACUOLES; INCLUSION BODY MYOPATHY 3, AUTOSOMAL DOMINANT; CONGENITAL MYOPATHY 6 WITH OPHTHALMOPLEGIA. Identifiers: Orphanet 363677, Orphanet 79091, MedGen C1854106, MONDO:0011577, OMIM 605637.

Submission:

Labcorp Genetics (formerly Invitae), Labcorp
Classification: Uncertain significance for Myopathy, proximal, and ophthalmoplegia. Last evaluated: 2024-03-13. Review status: criteria provided, single submitter. Criteria: Invitae Variant Classification Sherloc (09022015). Collection method: clinical testing. Allele origin: germline.
Comment: This sequence change replaces glutamine, which is neutral and polar, with lysine, which is basic and polar, at codon 1425 of the MYH2 protein (p.Gln1425Lys). This variant is not present in population databases (gnomAD no frequency). This variant has not been reported in the literature in individuals affected with MYH2-related conditions. Advanced modeling of protein sequence and biophysical properties (such as structural, functional, and spatial information, amino acid conservation, physicochemical variation, residue mobility, and thermodynamic stability) performed at Invitae indicates that this missense variant is not expected to disrupt MYH2 protein function with a negative predictive value of 80%. In summary, the available evidence is currently insufficient to determine the role of this variant in disease. Therefore, it has been classified as a Variant of Uncertain Significance.

NM_017534.6(MYH2):c.4273C>A (p.Gln1425Lys)

Genes: MYHAS (myosin heavy chain gene cluster antisense RNA; plus strand), MYH2 (myosin heavy chain 2; minus strand). Cytogenetic location: 17p13.1.
Variant type: single nucleotide variant.
Coding change: c.4273C>A on transcript NM_017534.6 (MANE Select); coding-DNA position 4273, C replaced by A.
Protein change: p.Gln1425Lys; replaces glutamine 1425 with lysine.
Molecular consequence: missense variant.
Genome position (GRCh38, 1-based): chr17:10,525,791, G>T on the plus strand (C>A on the coding strand, the complement: MYH2 is on the minus strand). VCF-style: chr17-10525791-G-T. GRCh37 (hg19) VCF-style: chr17-10429108-G-T.
Other names: c.4273C>A, p.Gln1425Lys (NM_001100112.2); short protein forms Q1425K.
Identifiers: ClinVar variation 3645051 (VCV003645051.2).